The following is an entry in ClinVar:

NM_001348946.2(ABCB1):c.61A>G (p.Asn21Asp)

Genes: ABCB1 (ATP binding cassette subfamily B member 1; minus strand), LOC126860097 (BRD4-independent group 4 enhancer GRCh37_chr7:87228303-87229502; plus strand). Cytogenetic location: 7q21.12.
Variant type: single nucleotide variant.
Coding change: c.61A>G on transcript NM_001348946.2 (MANE Select); coding-DNA position 61, A replaced by G.
Protein change: p.Asn21Asp; replaces asparagine 21 with aspartic acid.
Molecular consequence: missense variant.
Genome position (GRCh38, 1-based): chr7:87,600,124, T>C on the plus strand (A>G on the coding strand, the complement: ABCB1 is on the minus strand). VCF-style: chr7-87600124-T-C. GRCh37 (hg19) VCF-style: chr7-87229440-T-C.
Other names: c.61A>G, p.Asn21Asp (NM_000927.5, NM_001348944.2); c.271A>G, p.Asn91Asp (NM_001348945.2); c.61A>G (NM_000927.4); short protein forms N21D, N91D.
Identifiers: ClinVar variation 829327 (VCV000829327.4), dbSNP rs9282564, ClinGen allele CA4328712.
Genomic context (GRCh38, chr7:87,600,124, plus strand): 5'-ATTACTCAAATCTCGCAACTATGTAAACTATGAAAATGAAACAAGCTAGTTACCTTTTAT[T>C]GTTCAGTTTAAAAAAGTTCTTCTTCTTTGCTCCTCCATTGCGGTCCCCTTCAAGATCCAT-3'
Protein context (NP_001335875.1, residues 11-31): AKKKNFFKLN[Asn21Asp]KSEKDKKEKK

ClinVar aggregate classification (germline): Likely benign; drug response. Review status: no assertion criteria provided (0 of 4 stars). 2 submissions from 2 submitters: Likely benign (1). Last evaluated 2021-07-21.

Conditions:
Tramadol response. Also called: Ultram response. Identifiers: MedGen CN078023.
ABCB1-related disorder. Also called: ABCB1-related condition.

Allele frequency attached by ClinVar (database versions not stated): 1000 Genomes Project 0.02596; 1000 Genomes Project 30x 0.02608; TOPMed 0.05791; gnomAD 0.07146 and 0.07388; gnomAD exomes 0.07314 and 0.09476; ESP Exome Variant Server 0.07504; ExAC 0.08002.
gnomAD v4.1: 148,075 of 1,612,594 alleles (9.2%); highest among the groups gnomAD compares: Non-Finnish European, 11%; 8,366 homozygotes.

Submissions (2):

PreventionGenetics, part of Exact Sciences
Classification: Likely benign for ABCB1-related condition. Last evaluated: 2021-07-21. Review status: no assertion criteria provided. Collection method: clinical testing. Allele origin: germline.
Comment: This variant is classified as likely benign based on ACMG/AMP sequence variant interpretation guidelines (Richards et al. 2015 PMID: 25741868, with internal and published modifications).

Bruce Budowle Laboratory, University of North Texas Health Science Center
Classification: drug response for Tramadol response. Last evaluated: 2018-04-28. Review status: no assertion criteria provided. Collection method: research. Allele origin: somatic. Affected: yes. Observed: 184 variant alleles.